The following is an entry in ClinVar:

ClinVar aggregate classification (germline): Uncertain significance (1 of 4 stars; one submission).

Conditions:
Inborn genetic diseases. Identifiers: MedGen C0950123, MeSH D030342.

Submission:

Ambry Genetics
Classification: Uncertain significance for Inborn genetic diseases. Last evaluated: 2026-04-11. Review status: criteria provided, single submitter. Criteria: Ambry Variant Classification Scheme 2023. Collection method: clinical testing. Allele origin: germline.
Comment: The p.S519T variant (also known as c.1556G>C), located in coding exon 10 of the LTBP3 gene, results from a G to C substitution at nucleotide position 1556. The serine at codon 519 is replaced by threonine, an amino acid with similar properties. This amino acid position is conserved. In addition, this alteration is predicted to be tolerated by in silico analysis. Based on the available evidence, the clinical significance of this variant remains unclear.

NM_001130144.3(LTBP3):c.1556G>C (p.Ser519Thr)

Gene: LTBP3 (latent transforming growth factor beta binding protein 3; minus strand). Cytogenetic location: 11q13.1.
Variant type: single nucleotide variant.
Coding change: c.1556G>C on transcript NM_001130144.3 (MANE Select); coding-DNA position 1556, G replaced by C.
Protein change: p.Ser519Thr; replaces serine 519 with threonine.
Molecular consequence: missense variant.
Genome position (GRCh38, 1-based): chr11:65,551,467, C>G on the plus strand (G>C on the coding strand, the complement: LTBP3 is on the minus strand). VCF-style: chr11-65551467-C-G. GRCh37 (hg19) VCF-style: chr11-65318938-C-G.
Other names: c.1205G>C, p.Ser402Thr (NM_001164266.1); c.1556G>C, p.Ser519Thr (NM_021070.4); short protein forms S402T, S519T.
Identifiers: ClinVar variation 4859311 (VCV004859311.1).